The following is an entry in ClinVar:

ClinVar aggregate classification (germline): Uncertain significance (1 of 4 stars; one submission).

Conditions:
Long QT syndrome (LQTS). Identifiers: MedGen C0023976, MeSH D008133, MONDO:0002442. Disease mechanism: loss of function. Inheritance: Various modes of inheritance.

gnomAD v4.1: 45 of 1,614,042 alleles (0.0028%); highest among the groups gnomAD compares: South Asian, 0.044%; 1 homozygote.

Submission:

Labcorp Genetics (formerly Invitae), Labcorp
Classification: Uncertain significance for Long QT syndrome. Last evaluated: 2022-08-07. Review status: criteria provided, single submitter. Criteria: Invitae Variant Classification Sherloc (09022015). Collection method: clinical testing. Allele origin: germline.
Comment: This variant has not been reported in the literature in individuals affected with ANK2-related conditions. In summary, the available evidence is currently insufficient to determine the role of this variant in disease. Therefore, it has been classified as a Variant of Uncertain Significance. Algorithms developed to predict the effect of missense changes on protein structure and function are either unavailable or do not agree on the potential impact of this missense change (SIFT: "Deleterious"; PolyPhen-2: "Probably Damaging"; Align-GVGD: "Class C0"). ClinVar contains an entry for this variant (Variation ID: 1035362). This variant is present in population databases (rs767768290, gnomAD 0.04%). This sequence change replaces aspartic acid, which is acidic and polar, with asparagine, which is neutral and polar, at codon 2610 of the ANK2 protein (p.Asp2610Asn).

NM_001148.6(ANK2):c.7828G>A (p.Asp2610Asn)

Genes: ANK2 (ankyrin 2; plus strand), LOC126807137 (CDK7 strongly-dependent group 2 enhancer GRCh37_chr4:114276560-114277759; plus strand). Cytogenetic location: 4q26.
Variant type: single nucleotide variant.
Coding change: c.7828G>A on transcript NM_001148.6 (MANE Select); coding-DNA position 7828, G replaced by A.
Protein change: p.Asp2610Asn; replaces aspartic acid 2610 with asparagine.
Molecular consequence: missense variant. On other transcripts: intron variant (68).
Genome position (GRCh38, 1-based): chr4:113,356,446, G>A. VCF-style: chr4-113356446-G-A. GRCh37 (hg19) VCF-style: chr4-114277602-G-A.
Other names: c.7594G>A, p.Asp2532Asn (NM_001386142.1); c.4228G>A, p.Asp1410Asn (NM_001386166.1); c.7969G>A, p.Asp2657Asn (NM_001386174.1); c.7945G>A, p.Asp2649Asn (NM_001386175.1); c.4412-4377G>A (NM_001386186.2, NM_001386148.2); c.4214-4377G>A (NM_001354269.3); c.4292-4377G>A (NM_001386187.2); c.4253-4377G>A (NM_001386147.1); and 35 more; short protein forms D2532N, D2649N, D1410N, D2657N, D2610N.
Identifiers: ClinVar variation 1035362 (VCV001035362.5), dbSNP rs767768290, ClinGen allele CA3051655.
Genomic context (GRCh38, chr4:113,356,446, plus strand): 5'-AAAATGGTAACCAAAATCAAAATGTTTGATGAACTTGAACAAGAAGCAAAGCAGAAAAGG[G>A]ACTACAAAAAAGAACCCAAACAAGAAGAATCTTCTTCATCTTCTGACCCAGATGCTGACT-3'
Protein context (NP_001139.3, residues 2600-2620): ELEQEAKQKR[Asp2610Asn]YKKEPKQEES